The following is an entry in ClinVar:

NM_004329.3(BMPR1A):c.772G>A (p.Val258Met)

Gene: BMPR1A (bone morphogenetic protein receptor type 1A; plus strand). Cytogenetic location: 10q23.2.
Variant type: single nucleotide variant.
Coding change: c.772G>A on transcript NM_004329.3 (MANE Select); coding-DNA position 772, G replaced by A.
Protein change: p.Val258Met; replaces valine 258 with methionine.
Molecular consequence: missense variant. On other transcripts: non-coding transcript variant (3).
Genome position (GRCh38, 1-based): chr10:86,917,230, G>A. VCF-style: chr10-86917230-G-A. GRCh37 (hg19) VCF-style: chr10-88676987-G-A.
Other names: c.847G>A, p.Val283Met (NM_001406559.1); c.820G>A, p.Val274Met (NM_001406560.1); c.772G>A, p.Val258Met (NM_001406561.1, NM_001406562.1, NM_001406563.1 and 19 more transcripts); c.766G>A, p.Val256Met (NM_001406583.1); c.688G>A, p.Val230Met (NM_001406584.1, NM_001406585.1, NM_001406586.1 and 2 more transcripts); c.430G>A, p.Val144Met (NM_001406589.1); short protein forms V144M, V230M, V256M, V258M, V274M, V283M.
Identifiers: ClinVar variation 3223964 (VCV003223964.1), dbSNP rs2539603930, ClinGen allele CA377457880.

ClinVar aggregate classification (germline): Uncertain significance (1 of 4 stars; one submission).

Conditions:
Hereditary cancer-predisposing syndrome. Also called: Tumor predisposition; Hereditary neoplastic syndrome; Hereditary Cancer Syndrome; Neoplastic Syndromes, Hereditary. Identifiers: Orphanet 140162, MedGen C0027672, MeSH D009386, MONDO:0015356.

Submission:

Ambry Genetics
Classification: Uncertain significance for Hereditary cancer-predisposing syndrome. Last evaluated: 2024-02-25. Review status: criteria provided, single submitter. Criteria: Ambry Variant Classification Scheme 2023. Collection method: clinical testing. Allele origin: germline.
Comment: The p.V258M variant (also known as c.772G>A), located in coding exon 7 of the BMPR1A gene, results from a G to A substitution at nucleotide position 772. The valine at codon 258 is replaced by methionine, an amino acid with highly similar properties. This amino acid position is conserved. In addition, this alteration is predicted to be deleterious by in silico analysis. Based on the available evidence, the clinical significance of this alteration remains unclear.